The following is an entry in ClinVar:

ClinVar aggregate classification (germline): Conflicting classifications of pathogenicity. Review status: criteria provided, conflicting classifications (1 of 4 stars). 12 submissions from 11 submitters: Likely pathogenic (8); Uncertain significance (3). 1 of the submissions does not count toward it. Last evaluated 2026-04-10.

Conditions:
COL4A4-related disorder.
Alport syndrome. Also called: Hemorrhagic familial nephritis; Hemorrhagic hereditary nephritis; Congenital hereditary hematuria. Identifiers: Orphanet 63, MedGen C1567741, MONDO:0018965.
Autosomal recessive Alport syndrome (ATS2). Also called: ALPORT SYNDROME 2, AUTOSOMAL RECESSIVE; COL4A3-Related Nephropathy; COL4A4 Alport Syndrome and Thin Basement Membrane Nephropathy; Alport syndrome type 2. Identifiers: Orphanet 63, Orphanet 88919, MedGen C4746745, MONDO:0008762, OMIM 203780.
Hematuria, benign familial, 1 (BFH1). Also called: THIN MEMBRANE NEPHROPATHY. Identifiers: MedGen CN376803, MONDO:0007709, OMIM 141200.
Autosomal dominant Alport syndrome (ATS3A). Also called: Alport syndrome dominant type; Renal failure and sensorineural hearing loss; ALPORT SYNDROME 3A, AUTOSOMAL DOMINANT. Identifiers: Orphanet 63, Orphanet 88918, MedGen C5882663, MONDO:0007086, OMIM 104200.

Allele frequency attached by ClinVar (database versions not stated): gnomAD exomes 0.00002 and 0.00009; gnomAD 0.00005; TOPMed 0.00005; ExAC 0.00007; 1000 Genomes Project 0.00020; 1000 Genomes Project 30x 0.00031.
gnomAD v4.1: 50 of 1,613,568 alleles (0.0031%); highest among the groups gnomAD compares: Admixed American, 0.052%; no homozygotes.

Submissions 1 to 5 of 12:

Women's Health and Genetics/Laboratory Corporation of America, LabCorp
Classification: Uncertain significance. Last evaluated: 2026-04-10. Review status: criteria provided, single submitter. Criteria: LabCorp Variant Classification Summary - May 2015. Collection method: clinical testing. Allele origin: germline.
Comment: Variant summary: COL4A4 c.1334G>C (p.Gly445Ala) results in a non-conservative amino acid change in the encoded protein sequence. Algorithms developed to predict the effect of missense changes on protein structure and function all suggest that this variant is likely to be disruptive. The variant allele was found at a frequency of 8.9e-05 in 247958 control chromosomes. This frequency is not significantly higher than estimated for disease-causing variants in COL4A4, allowing no conclusion about variant significance. c.1334G>C has been observed in individuals affected with autosomal recessive Alport Syndrome and/or chronic kidney disease (Bekheirnia_2021, Ben Moshe_2022, Topak_2023, Furlano_2024, Blasco_2024, internal data). These data do not allow any conclusion about variant significance. To our knowledge, no experimental evidence demonstrating an impact on protein function has been reported. The following publications have been ascertained in the context of this evaluation (PMID: 35368817, 36239278, 38972501, 38317457, 37078890). ClinVar contains an entry for this variant (Variation ID: 830015). Based on the evidence outlined above, the variant was classified as uncertain significance.

GeneDx
Classification: Uncertain significance. Last evaluated: 2026-01-29. Review status: criteria provided, single submitter. Criteria: GeneDx Variant Classification Process June 2021. Collection method: clinical testing. Allele origin: germline. Affected: yes.
Comment: Observed with the p.(P857L) variant in the COL4A4 gene in a patient with renal features of Alport syndrome in published literature, but the phase of these variants is unknown (PMID: 36239278); In silico analysis supports that this missense variant has a deleterious effect on protein structure/function; Affects a glycine residue in a Gly-X-Y motif in the triple helical region of the COL4A4 gene; This variant is associated with the following publications: (PMID: 38972501, 36239278, 37078890, 35368817, 38317457)

Labcorp Genetics (formerly Invitae), Labcorp
Classification: Likely pathogenic. Last evaluated: 2025-12-01. Review status: criteria provided, single submitter. Criteria: Invitae Variant Classification Sherloc (09022015). Collection method: clinical testing. Allele origin: germline.
Comment: This sequence change replaces glycine, which is neutral and non-polar, with alanine, which is neutral and non-polar, at codon 445 of the COL4A4 protein (p.Gly445Ala). This variant is present in population databases (rs548019779, gnomAD 0.06%). This missense change has been observed in individual(s) with Alport syndrome and/or nephrotic syndrome (PMID: 36239278, 37078890; internal data). In at least one individual the data is consistent with being in trans (on the opposite chromosome) from a pathogenic variant. ClinVar contains an entry for this variant (Variation ID: 830015). Invitae Evidence Modeling of protein sequence and biophysical properties (such as structural, functional, and spatial information, amino acid conservation, physicochemical variation, residue mobility, and thermodynamic stability) indicates that this missense variant is expected to disrupt COL4A4 protein function with a positive predictive value of 95%. In summary, the currently available evidence indicates that the variant is pathogenic, but additional data are needed to prove that conclusively. Therefore, this variant has been classified as Likely Pathogenic.

Victorian Clinical Genetics Services, Murdoch Childrens Research Institute
Classification: Likely pathogenic for Alport syndrome. Last evaluated: 2025-10-27. Review status: criteria provided, single submitter. Criteria: ACMG Guidelines, 2015. Collection method: clinical testing. Allele origin: germline. Affected: yes.
Comment: This variant is classified as Likely pathogenic. Evidence in support of pathogenic classification: Variant is present in gnomAD <0.01 (v4: 50 heterozygote(s), 0 homozygote(s)); This variant has moderate previous evidence of pathogenicity in unrelated individuals. This variant has been classified as likely pathogenic by multiple clinical laboratories in ClinVar. Additionally, it has been reported in the literature in two individuals with nephrotic syndrome (PMID: 35368817, 37078890). It has also been classified as a VUS by multiple clinical laboratories in ClinVar in multiple unrelated individuals with Alport syndrome and focal segmental glomerulosclerosis (personal correspondence GeneDx and PreventionGenetics laboratories); Other missense variant(s) comparable to the one identified in this case have moderate previous evidence for pathogenicity. p.(Gly445Glu) and p.(Gly445Arg) have been reported in the literature in individuals with Alport syndrome (PMID: 39430195, 24509478); Variant is located in the well-established functional Gly-X-Y motif (DECIPHER); Missense variant predicted to be damaging by in silico tool(s) or highly conserved with a major amino acid change. Additional information: Variant is predicted to result in a missense amino acid change from Gly to Ala; This variant is heterozygous; This gene is associated with both recessive and dominant disease. Alport syndrome typically has biallelic inheritance, although rare cases of monoallelic inheritance have been reported (PMID: 28704582). Thin basement membrane nephropathy (TBMN) and focal segmental glomerulosclerosis (FSGS) are associated with autosomal dominant inheritance (OMIM, PMIDs: 16467446, 17942953); Alternative amino acid change(s) at the same position are present in gnomAD (v4: 2 heterozygote(s), 0 homozygote(s)); No published evidence of segregation with disease has been identified for this variant; No published functional evidence has been identified for this variant; Loss of function is a known mechanism of disease for this gene and is associated with Alport syndrome. Dominant negative is a suspected mechanism of disease for this gene as it is a structural protein (PMIDs: 12028435, 24046192).

Variantyx, Inc.
Classification: Likely pathogenic for Autosomal recessive Alport syndrome. Last evaluated: 2025-09-02. Review status: criteria provided, single submitter. Criteria: Variantyx Assertion Criteria 2022. Collection method: clinical testing. Allele origin: germline. Inheritance: Autosomal recessive inheritance. Affected: yes.
Comment: This is a nonsynonymous variant in the COL4A4 gene (OMIM: 120131). Pathogenic variants in this gene have been associated with autosomal recessive Alport syndrome 2. This variant lies within a known hotspot for pathogenic variants or a well-established critical functional domain of the COL4A4 protein (PMID: 33854215) (PM1_Strong), and multiple computational algorithms predict a deleterious effect for this variant (REVEL score: 0.894) (PP3). This variant has been reported in the heterozygous state in affected individuals (PMID:37078890), and it has been reported in the compound heterozygous state in two affected individuals (PMID:36239278, 35368817). This variant has a 0.0517% maximum allele frequency in non-founder control populations (PM2). Based on the current evidence, this variant is classified as likely pathogenic for autosomal recessive Alport syndrome 2.

NM_000092.5(COL4A4):c.1334G>C (p.Gly445Ala)

Gene: COL4A4 (collagen type IV alpha 4 chain; minus strand). Cytogenetic location: 2q36.3.
Variant type: single nucleotide variant.
Coding change: c.1334G>C on transcript NM_000092.5 (MANE Select); coding-DNA position 1334, G replaced by C.
Protein change: p.Gly445Ala; replaces glycine 445 with alanine.
Molecular consequence: missense variant.
Genome position (GRCh38, 1-based): chr2:227,094,160, C>G on the plus strand (G>C on the coding strand, the complement: COL4A4 is on the minus strand). VCF-style: chr2-227094160-C-G. GRCh37 (hg19) VCF-style: chr2-227958876-C-G.
Other names: short protein forms G445A.
Identifiers: ClinVar variation 830015 (VCV000830015.26), dbSNP rs548019779, ClinGen allele CA2145216.
Genomic context (GRCh38, chr2:227,094,160, plus strand): 5'-TGGATATGAATAAGGAGTACTTTACCACTTGATCCTGGGAGGCCCTGCAGGCCTGGTGCT[C>G]CAGGCAAGCCAGGTGATCCTGGCTTCCCTGGTTTTCCTGGAGCAGAATCAGGTCTCCCAG-3'
Protein context (NP_000083.3, residues 435-455): PGKPGSPGLP[Gly445Ala]APGLQGLPGS